The following is an entry in ClinVar:

NM_001386140.1(MTTP):c.475C>T (p.Gln159Ter)

Gene: MTTP (microsomal triglyceride transfer protein; plus strand). Cytogenetic location: 4q23.
Variant type: single nucleotide variant.
Coding change: c.475C>T on transcript NM_001386140.1 (MANE Select); coding-DNA position 475, C replaced by T.
Protein change: p.Gln159Ter; replaces glutamine 159 with a stop codon.
Molecular consequence: nonsense.
Genome position (GRCh38, 1-based): chr4:99,589,724, C>T. VCF-style: chr4-99589724-C-T. GRCh37 (hg19) VCF-style: chr4-100510881-C-T.
Other names: c.475C>T, p.Gln159Ter (NM_000253.4); c.226C>T, p.Gln76Ter (NM_001300785.2); short protein forms Q159*, Q76*.
Identifiers: ClinVar variation 5011566 (VCV005011566.1).

ClinVar aggregate classification (germline): Pathogenic (1 of 4 stars; one submission).

Conditions:
Abetalipoproteinaemia (ABL). Also called: MTP DEFICIENCY; Abetalipoproteinemia; Abetalipoproteinemia neuropathy; Apolipoprotein B deficiency; Congenital betalipoprotein deficiency syndrome. Identifiers: Orphanet 14, MedGen C0000744, MONDO:0008692, OMIM 200100, HP:0008181.

Submission:

Myriad Genetics, Inc.
Classification: Pathogenic for Abetalipoproteinaemia. Last evaluated: 2023-09-05. Review status: criteria provided, single submitter. Criteria: Myriad Autosomal Dominant, Autosomal Recessive and X-Linked Classification Criteria (2023). Collection method: clinical testing. Allele origin: unknown.
Comment: NM_000253.2(MTTP):c.475C>T(Q159*) is expected to be pathogenic in the context of abetalipoproteinemia. This variant is predicted to lead to an abnormal or absent protein product due to the creation of a premature termination codon in MTTP, a gene where loss-of-function variants are known to be pathogenic. Please note: this variant was assessed in the context of healthy population screening.